The following is an entry in ClinVar:

NM_000359.3(TGM1):c.968G>A (p.Arg323Gln)

Gene: TGM1 (transglutaminase 1; minus strand). Cytogenetic location: 14q12.
Variant type: single nucleotide variant.
Coding change: c.968G>A on transcript NM_000359.3 (MANE Select); coding-DNA position 968, G replaced by A.
Protein change: p.Arg323Gln; replaces arginine 323 with glutamine.
Molecular consequence: missense variant.
Genome position (GRCh38, 1-based): chr14:24,259,720, C>T on the plus strand (G>A on the coding strand, the complement: TGM1 is on the minus strand). VCF-style: chr14-24259720-C-T. GRCh37 (hg19) VCF-style: chr14-24728926-C-T.
Other names: short protein forms R323Q.
Identifiers: ClinVar variation 12484 (VCV000012484.31), dbSNP rs121918717, ClinGen allele CA256462.

ClinVar aggregate classification (germline): Pathogenic/Likely pathogenic. Review status: criteria provided, multiple submitters, no conflicts (2 of 4 stars). 14 submissions from 14 submitters: Pathogenic (11); Likely pathogenic (1). 2 of the submissions do not count toward it. Last evaluated 2026-10-29.

Conditions:
Ichthyosis and erythrokeratoderma.
Lamellar ichthyosis. Identifiers: Orphanet 313, MedGen C5848247, MONDO:0017778.
Autosomal recessive congenital ichthyosis 1 (LI1). Also called: LAMELLAR EXFOLIATION OF NEWBORN; COLLODION FETUS; DESQUAMATION OF NEWBORN; ICHTHYOSIS, CONGENITAL, AUTOSOMAL RECESSIVE 1, WITH BATHING SUIT DISTRIBUTION; ICHTHYOSIS, CONGENITAL, AUTOSOMAL RECESSIVE 1, WITH OR WITHOUT BATHING SUIT DISTRIBUTION; ICHTHYOSIS CONGENITA. Identifiers: MedGen C4551630, MONDO:0009441, OMIM 242300.

Allele frequency attached by ClinVar (database versions not stated): gnomAD 0.00003; TOPMed 0.00003; gnomAD exomes 0.00004; ExAC 0.00009.
gnomAD v4.1: 37 of 1,611,028 alleles (0.0023%); highest among the groups gnomAD compares: Middle Eastern, 0.033%; no homozygotes.

Submissions (14):

Department of Molecular Genetics, Istishari Arab Hospital
Classification: Pathogenic for Autosomal recessive congenital ichthyosis 1. Last evaluated: 2026-10-29. Review status: criteria provided, single submitter. Criteria: ACMG Guidelines, 2015. Collection method: clinical testing. Allele origin: germline. Inheritance: Autosomal recessive inheritance. Affected: yes.
Comment: The TGM1 variant c.968G>A, p.Arg323Gln creates an amino acid change from Arg to Gln at position 323 in exon 6 (of 15 exons). The variant is observed with very low frequency in the gnomAD v4.1.0 dataset. This variant has previously been identified in an affected individual with autosomal recessive congenital ichthyosis (PMID: 19241467‚ 31168818‚ 32105361‚ 33786896‚ 7824952‚ 9261103‚ 9545389‚ 9593710). It is classified as pathogenic according to the recommendations of ACMG/AMP/ClinGen SVI guidelines.

GeneDx
Classification: Pathogenic. Last evaluated: 2026-10-02. Review status: criteria provided, single submitter. Criteria: GeneDx Variant Classification Process June 2021. Collection method: clinical testing. Allele origin: germline.
Comment: Published functional studies demonstrate a damaging effect causing marked reduction in enzyme activity (PMID: 19241467, 9593710); In silico analysis supports that this missense variant has a deleterious effect on protein structure/function; This variant is associated with the following publications: (PMID: 7824952, 9545389, 19241467, 31168818, 34426522, 32105361, 31046801, 9593710, 39501396, 34782754, 35982160, 33057194, 33786896, 35982159, 23278109)

Genetics Laboratory, Great Ormond Street Hospital NHS Foundation Trust, North Thames Genomic Laboratory Hub
Classification: Likely pathogenic for Ichthyosis and erythrokeratoderma. Last evaluated: 2026-01-29. Review status: criteria provided, single submitter. Criteria: ACGS Best Practice Guidelines for Variant Classification in Rare Disease 2024 v1.2. Collection method: clinical testing. Allele origin: germline. Affected: yes.
Comment: PM2_moderate, PP3_supporting, PS3_supporting, PM3_moderate

Natera, Inc.
Classification: Pathogenic for Autosomal recessive congenital ichthyosis type 1. Last evaluated: 2026-01-22. Review status: criteria provided, single submitter. Criteria: Natera Variant Classification Schema (03/2026). Collection method: clinical testing. Allele origin: germline.
Comment: The c.968G>A variant in TGM1 is a missense variant predicted to cause substitution of arginine to glutamine at amino acid 323. This variant is rare in the general population with a frequency below the threshold expected for the associated phenotype(s). This variant has been observed in one or more individuals affected with the associated recessive disease, as either homozygous or compound heterozygous with a second variant (PMID: 19241467, 31046801, 33786896, 32105361). Given the available evidence, this variant is classified as Pathogenic.

Fulgent Genetics
Classification: Pathogenic for Autosomal recessive congenital ichthyosis 1. Last evaluated: 2024-06-07. Review status: criteria provided, single submitter. Criteria: ACMG Guidelines, 2015. Collection method: clinical testing. Allele origin: germline.

Laboratory of Medical Genetics, National & Kapodistrian University of Athens
Classification: Pathogenic for Autosomal recessive congenital ichthyosis 1. Last evaluated: 2024-03-28. Review status: criteria provided, single submitter. Criteria: ACMG Guidelines, 2015. Collection method: clinical testing. Allele origin: germline. Affected: yes.
Comment: PS4, PM1, PM2, PM5, PP3, PP4, PP5 - The variant has been reported in ClinVar as Pathogenic by other laboratories (Variation ID 12484). This variant has been previously reported as causative (PMID:19241467).

Labcorp Genetics (formerly Invitae), Labcorp
Classification: Pathogenic. Last evaluated: 2024-02-02. Review status: criteria provided, single submitter. Criteria: Invitae Variant Classification Sherloc (09022015). Collection method: clinical testing. Allele origin: germline.
Comment: This sequence change replaces arginine, which is basic and polar, with glutamine, which is neutral and polar, at codon 323 of the TGM1 protein (p.Arg323Gln). This variant is present in population databases (rs121918717, gnomAD 0.007%). This missense change has been observed in individuals with autosomal recessive congenital ichthyosis (PMID: 7824952, 9545389, 19241467, 23278109). It has also been observed to segregate with disease in related individuals. This variant is also known as 322Q. ClinVar contains an entry for this variant (Variation ID: 12484). Advanced modeling of protein sequence and biophysical properties (such as structural, functional, and spatial information, amino acid conservation, physicochemical variation, residue mobility, and thermodynamic stability) performed at Invitae indicates that this missense variant is expected to disrupt TGM1 protein function with a positive predictive value of 95%. Experimental studies have shown that this missense change affects TGM1 function (PMID: 9261103, 9593710). For these reasons, this variant has been classified as Pathogenic.

Women's Health and Genetics/Laboratory Corporation of America, LabCorp
Classification: Pathogenic for Lamellar ichthyosis. Last evaluated: 2022-07-07. Review status: criteria provided, single submitter. Criteria: LabCorp Variant Classification Summary - May 2015. Collection method: clinical testing. Allele origin: germline.
Comment: Variant summary: TGM1 c.968G>A (p.Arg323Gln) results in a conservative amino acid change in the encoded protein sequence. Four of five in-silico tools predict a damaging effect of the variant on protein function. The variant allele was found at a frequency of 4.1e-05 in 245104 control chromosomes (gnomAD). This frequency is not significantly higher than expected for a pathogenic variant in TGM1 causing Lamellar Ichthyosis (4.1e-05 vs 0.0021), allowing no conclusion about variant significance. c.968G>A has been reported in the literature in at least one homozygous and multiple compound heterozygous individuals affected with Lamellar Ichthyosis, including cases of self-improving collodion ichthyosis (e.g.Huber_1995, Hennies_1998, Herman_2009, Simpson_2020, Diep_2020, Mohamad_2021). These data indicate that the variant is very likely to be associated with disease. Experimental studies examining the activity of the variant protein in vitro have found reduced cytosolic activity and markedly reduced (2-26% of normal) membrane-bound activity, indicating that the variant has a negative impact on protein function (Huber_1997, Candi_1998). Four clinical diagnostic laboratories have submitted clinical-significance assessments for this variant to ClinVar after 2014. All laboratories classified the variant as pathogenic (n=3) or likely pathogenic (n=1). Based on the evidence outlined above, the variant was classified as pathogenic.

Revvity Omics, Revvity
Classification: Pathogenic for Autosomal recessive congenital ichthyosis 1. Last evaluated: 2022-06-08. Review status: criteria provided, single submitter. Criteria: ACMG Guidelines, 2015. Collection method: clinical testing. Allele origin: germline.

Equipe Genetique des Anomalies du Developpement, Université de Bourgogne
Classification: Pathogenic for Autosomal recessive congenital ichthyosis 1. Review status: criteria provided, single submitter. Criteria: ACMG Guidelines, 2015. Collection method: clinical testing. Allele origin: maternal. Affected: yes.

Genome-Nilou Lab
Classification: Pathogenic for Autosomal recessive congenital ichthyosis 1. Review status: criteria provided, single submitter. Criteria: ACMG Guidelines, 2015. Collection method: clinical testing. Allele origin: germline.

Kariminejad - Najmabadi Pathology & Genetics Center
Classification: Pathogenic for Autosomal recessive congenital ichthyosis 1. Review status: criteria provided, single submitter. Criteria: ACMG Guidelines, 2015. Collection method: clinical testing. Allele origin: germline. Affected: no.

Counsyl
Classification: Likely pathogenic for Autosomal recessive congenital ichthyosis 1. Last evaluated: 2017-08-30. Review status: no assertion criteria provided. Collection method: clinical testing. Allele origin: unknown. Not counted in ClinVar's aggregate classification.

OMIM
Classification: Pathogenic for ICHTHYOSIS, CONGENITAL, AUTOSOMAL RECESSIVE 1. Last evaluated: 1995-01-27. Review status: no assertion criteria provided. Collection method: literature only. Allele origin: germline. Not counted in ClinVar's aggregate classification.

Literature cited by the submitters: PubMed 19241467 (cited by 5 submitters); PubMed 31168818 (cited by Department of Molecular Genetics, Istishari Arab Hospital and Women's Health and Genetics/Laboratory Corporation of America, LabCorp); PubMed 32105361 (cited by 3 submitters); PubMed 33786896 (cited by 3 submitters); PubMed 7824952 (cited by 5 submitters); PubMed 9261103 (cited by 4 submitters); PubMed 9545389 (cited by 4 submitters); PubMed 9593710 (cited by 4 submitters); PubMed 31046801 (cited by Natera, Inc.); PubMed 23278109 (cited by Labcorp Genetics (formerly Invitae), Labcorp and Counsyl); PubMed 34782754 (cited by Equipe Genetique des Anomalies du Developpement, Université de Bourgogne).